The following is an entry in ClinVar:

NM_000138.5(FBN1):c.6446A>G (p.Tyr2149Cys)

Gene: FBN1 (fibrillin 1; minus strand). Cytogenetic location: 15q21.1.
Variant type: single nucleotide variant.
Coding change: c.6446A>G on transcript NM_000138.5 (MANE Select); coding-DNA position 6446, A replaced by G.
Protein change: p.Tyr2149Cys; replaces tyrosine 2149 with cysteine.
Molecular consequence: missense variant.
Genome position (GRCh38, 1-based): chr15:48,437,011, T>C on the plus strand (A>G on the coding strand, the complement: FBN1 is on the minus strand). VCF-style: chr15-48437011-T-C. GRCh37 (hg19) VCF-style: chr15-48729208-T-C.
Other names: NM_000138.5(FBN1):c.6446A>G; short protein forms Y2149C.
Identifiers: ClinVar variation 42402 (VCV000042402.42), dbSNP rs113080385, ClinGen allele CA016465.

ClinVar aggregate classification (germline): Pathogenic. Review status: reviewed by expert panel (3 of 4 stars). 6 submissions from 6 submitters: Pathogenic (1). 5 of the submissions do not count toward it. Last evaluated 2024-08-22.

Conditions:
Marfan syndrome (MFS). Also called: FBN1-Related Marfan Syndrome; Marfan syndrome, classic; MARFAN SYNDROME, TYPE I; Marfan syndrome type 1; Marfan's syndrome. Identifiers: Orphanet 284963, Orphanet 558, MedGen C0024796, MONDO:0007947, OMIM 154700.
Familial thoracic aortic aneurysm and aortic dissection (TAAD). Also called: Thoracic aortic aneurysms and dissections. Identifiers: Orphanet 91387, MedGen C4707243, MONDO:0019625.

Submissions (6):

ClinGen FBN1 Variant Curation Expert Panel, ClinGen
Classification: Pathogenic for Marfan syndrome. Last evaluated: 2024-08-22. Review status: reviewed by expert panel. Criteria: Assertion Criteria VCEP FBN1 Version 1. Collection method: curation. Allele origin: germline. Inheritance: Autosomal dominant inheritance.
Comment: NM_000138.5 c.6446A>G is a missense variant in FBN1 predicted to cause a substitution of a tyrosine by cysteine amino acid 2149 (p.Tyr2149Cys). This variant has been identified in at least 13 individuals with features suggestive of, or consistent with, Marfan syndrome (MFS), including four patients meeting clinical diagnostic criteria for MFS, seven with thoracic aortic aneurysm or dissection (TAAD) with or without additional features of MFS, and two with unspecified clinical suspicion of MFS (PS4, PP4; Johns Hopkins, University of Texas-Houston, LMM, & Invitae internal data; PMIDs: 24793577, 27611364, 37684520, 31098894). The variant was found to be de novo in five of these patients, including three (maternity/paternity assumed) with phenotypes consistent with, but not highly specific to, FBN1, one (maternity/paternity assumed) with TAAD and borderline systemic involvement, and one (maternity/paternity confirmed) with a non-specific and genetically heterogeneous phenotype of TAAD and mitral valve prolapse (PS2; Johns Hopkins & Invitae internal data; PMIDs: 31098894, 37684520). It is absent from gnomAD (PM2_supporting;, v2.1.1, 3.1.2, 4.0.0). This variant introduces a novel cysteine residue which may impede the normal formation of essential disulfide bridges and occurs at a conserved residue in a critical calcium-binding site within a calcium-binding EGF-like domain (PM1). Computational prediction tools and conservation analysis support that this variant is likely to impact the protein (PP3; REVEL = 0.900). The constraint z-score for missense variants affecting FBN1 is 8.18 (PP2; gnomAD v4.0.0). In summary, this variant meets criteria to be classified as pathogenic for Marfan syndrome based on the ACMG/AMP criteria applied, as specified by the ClinGen FBN1 VCEP: PS2, PS4, PM1, PP2, PP3, PP4, PM2_supporting.

Labcorp Genetics (formerly Invitae), Labcorp
Classification: Pathogenic for Marfan syndrome; Familial thoracic aortic aneurysm and aortic dissection. Last evaluated: 2024-01-02. Review status: criteria provided, single submitter. Criteria: Invitae Variant Classification Sherloc (09022015). Collection method: clinical testing. Allele origin: germline. Not counted in ClinVar's aggregate classification.
Comment: This sequence change replaces tyrosine, which is neutral and polar, with cysteine, which is neutral and slightly polar, at codon 2149 of the FBN1 protein (p.Tyr2149Cys). This variant is not present in population databases (gnomAD no frequency). This missense change has been observed in individual(s) with FBN1-related conditions (PMID: 24793577, 27611364, 31098894; Invitae). In at least one individual the variant was observed to be de novo. ClinVar contains an entry for this variant (Variation ID: 42402). Advanced modeling of protein sequence and biophysical properties (such as structural, functional, and spatial information, amino acid conservation, physicochemical variation, residue mobility, and thermodynamic stability) performed at Invitae indicates that this missense variant is expected to disrupt FBN1 protein function with a positive predictive value of 95%. For these reasons, this variant has been classified as Pathogenic.

Laboratory for Molecular Medicine, Mass General Brigham Personalized Medicine
Classification: Pathogenic for Marfan syndrome. Last evaluated: 2023-05-12. Review status: criteria provided, single submitter. Criteria: ACMG Guidelines, 2015. Collection method: clinical testing. Allele origin: germline. Inheritance: Autosomal dominant inheritance. Not counted in ClinVar's aggregate classification.
Comment: The p.Tyr2149Cys variant in FBN1 has previously been reported in at least 10 individuals: 3 individuals with aortopathy (Yang 2016 PMID: 27611364, Invitae Personal Communication 2023), 3 probands with clinical suspicion for Marfan syndrome (Lerner-Ellis 2014 PMID: 24793577, Invitae Personal Communication 2023), and 4 de novo occurrences in individuals with aortic aneurysm/dissection with or without additional features of Marfan syndrome (Li 2019 PMID: 31098894, Sulem 2022, Invitae Personal Communication 2023). It was absent from large population studies. This variant has also been reported in ClinVar (Variation ID 42402). Computational prediction tools and conservation analyses suggest that this variant may impact the protein, though this information is not predictive enough to determine pathogenicity. This variant lies near the calcium binding site of the cbEGF domain, in which other pathogenic calcium binding site-disrupting alterations are present (Downing 1996 PMID: 8653794, Vollbrandt 2004 PMID: 15161917). In summary, this variant meets criteria to be classified as pathogenic for autosomal dominant Marfan syndrome. ACMG/AMP Criteria applied: PM2_Supporting, PP3, PM1, PM6, PS4.

Institute of Human Genetics Munich, TUM University Hospital
Classification: Pathogenic for Marfan syndrome. Last evaluated: 2018-12-03. Review status: criteria provided, single submitter. Criteria: Classification criteria August 2017. Collection method: clinical testing. Allele origin: de novo. Inheritance: Autosomal dominant inheritance. Affected: yes. Observed: 1 heterozygote. Not counted in ClinVar's aggregate classification.

Ambry Genetics
Classification: Likely pathogenic for Familial thoracic aortic aneurysm and aortic dissection. Last evaluated: 2017-02-17. Review status: criteria provided, single submitter. Criteria: Ambry Variant Classification Scheme 2023. Collection method: clinical testing. Allele origin: germline. Not counted in ClinVar's aggregate classification.
Comment: The p.Y2149C variant (also known as c.6446A>G), located in coding exon 52 of the FBN1 gene, results from an A to G substitution at nucleotide position 6446. The tyrosine at codon 2149 is replaced by cysteine, an amino acid with highly dissimilar properties, and is located in the cbEGF-like #32 domain. Internal structural analysis indicates this alteration eliminates a highly conserved aromatic residue near the calcium binding site of the cbEGF domain 32, in which pathogenic calcium binding site-disrupting alterations are present (Downing AK et al. Cell. 1996;85(4):597-605). The majority of FBN1 mutations identified to date have involved the substitution or generation of cysteine residues within cbEGF domains (Vollbrandt T et al. J Biol Chem. 2004;279(31):32924-32931). This amino acid position is not well conserved in available vertebrate species. In addition, this alteration is predicted to be deleterious by in silico analysis. Based on the majority of available evidence to date, this variant is likely to be pathogenic.

deCODE genetics, Amgen
Classification: Pathogenic for Marfan syndrome. Last evaluated: 2023-04-10. Review status: no assertion criteria provided. Collection method: case-control. Allele origin: germline. Affected: yes. Observed: 1 variant allele. Not counted in ClinVar's aggregate classification.
Comment: Applied ACMG criteria: PS2, PM2, PP2, PP4, PP5_strong

Literature cited by the submitters: PubMed 24793577 (cited by Labcorp Genetics (formerly Invitae), Labcorp and Ambry Genetics); PubMed 27611364 (cited by Labcorp Genetics (formerly Invitae), Labcorp); PubMed 31098894 (cited by Labcorp Genetics (formerly Invitae), Labcorp); PubMed 37684520 (cited by deCODE genetics, Amgen).